The following is an entry in ClinVar:

ClinVar aggregate classification (germline): Uncertain significance. Review status: criteria provided, multiple submitters, no conflicts (2 of 4 stars). 4 submissions from 4 submitters: Uncertain significance (4). Last evaluated 2024-03-23.

Conditions:
Familial isolated arrhythmogenic right ventricular dysplasia. Identifiers: Orphanet 217656, MedGen C4274968, MONDO:0016342.
Arrhythmogenic right ventricular dysplasia 11. Also called: Arrhythmogenic right ventricular dysplasia 11 with mild palmoplantar keratoderma and woolly hair; Arrhythmogenic Right Ventricular Dysplasia/Cardiomyopathy11; ARRHYTHMOGENIC RIGHT VENTRICULAR DYSPLASIA, FAMILIAL, 11. Identifiers: MedGen C1864850, MONDO:0012506, OMIM 610476.
Cardiomyopathy (CMYO). Also called: Cardiomyopathies. Identifiers: Orphanet 167848, MedGen C0878544, MONDO:0004994, HP:0001638. Inheritance: Various modes of inheritance.

Allele frequency attached by ClinVar (database versions not stated): ESP Exome Variant Server 0.00008; TOPMed below 0.00001; gnomAD 0.00001; ExAC 0.00002; gnomAD exomes 0.00001.
gnomAD v4.1: 8 of 1,613,880 alleles (0.0005%); highest among the groups gnomAD compares: South Asian, 0.0011%; no homozygotes.

Submissions (4):

Labcorp Genetics (formerly Invitae), Labcorp
Classification: Uncertain significance for Arrhythmogenic right ventricular dysplasia 11. Last evaluated: 2024-03-23. Review status: criteria provided, single submitter. Criteria: Invitae Variant Classification Sherloc (09022015). Collection method: clinical testing. Allele origin: germline.
Comment: This sequence change replaces asparagine, which is neutral and polar, with aspartic acid, which is acidic and polar, at codon 736 of the DSC2 protein (p.Asn736Asp). This variant is present in population databases (rs371950232, gnomAD 0.003%). This variant has not been reported in the literature in individuals affected with DSC2-related conditions. ClinVar contains an entry for this variant (Variation ID: 574320). Advanced modeling of protein sequence and biophysical properties (such as structural, functional, and spatial information, amino acid conservation, physicochemical variation, residue mobility, and thermodynamic stability) performed at Invitae indicates that this missense variant is expected to disrupt DSC2 protein function with a positive predictive value of 80%. In summary, the available evidence is currently insufficient to determine the role of this variant in disease. Therefore, it has been classified as a Variant of Uncertain Significance.

Color Diagnostics, LLC DBA Color Health
Classification: Uncertain significance for Cardiomyopathy. Last evaluated: 2024-03-06. Review status: criteria provided, single submitter. Criteria: ACMG Guidelines, 2015. Collection method: clinical testing. Allele origin: germline.
Comment: This missense variant replaces asparagine with aspartic acid at codon 736 of the DSC2 protein. Computational prediction suggests that this variant may not impact protein structure and function (internally defined REVEL score threshold <= 0.5, PMID: 27666373). To our knowledge, functional studies have not been reported for this variant. This variant has not been reported in individuals affected with cardiovascular disorders in the literature. This variant has been identified in 3/251312 chromosomes in the general population by the Genome Aggregation Database (gnomAD). The available evidence is insufficient to determine the role of this variant in disease conclusively. Therefore, this variant is classified as a Variant of Uncertain Significance.

All of Us Research Program, National Institutes of Health
Classification: Uncertain significance for Familial isolated arrhythmogenic right ventricular dysplasia. Last evaluated: 2023-10-23. Review status: criteria provided, single submitter. Criteria: ACMG Guidelines, 2015. Collection method: clinical testing. Allele origin: germline. Inheritance: Autosomal dominant inheritance. Observed: 1 variant allele, 1 heterozygote.
Comment: Variant of Uncertain Significance due to insufficient evidence: This missense variant is located in the cytoplasmic domain of the DSC2 protein. Computational prediction tools and conservation analyses are inconclusive regarding the impact of this variant on the protein function. Computational splicing tools suggest that this variant may not impact RNA splicing. To our knowledge, functional assays have not been performed for this variant nor has this variant been reported in individuals affected with cardiovascular disorders in the literature. This variant has been identified in 3/246072 chromosomes in the general population by the Genome Aggregation Database (gnomAD). Available evidence is insufficient to determine the pathogenicity of this variant conclusively.

This study involves interpretation of variants in research participants for the purpose of population health screening. Participant phenotype was not available at the time of variant classification. Additional details can be found in publication PMID: 35346344, PMCID: PMC8962531

Human Genome Sequencing Center Clinical Lab, Baylor College of Medicine
Classification: Uncertain significance for Arrhythmogenic right ventricular dysplasia, type 11. Review status: criteria provided, single submitter. Criteria: ACMG Guidelines, 2015. Collection method: clinical testing. Allele origin: germline.

NM_024422.6(DSC2):c.2206A>G (p.Asn736Asp)

Gene: DSC2 (desmocollin 2; minus strand). Cytogenetic location: 18q12.1.
Variant type: single nucleotide variant.
Coding change: c.2206A>G on transcript NM_024422.6 (MANE Select); coding-DNA position 2206, A replaced by G.
Protein change: p.Asn736Asp; replaces asparagine 736 with aspartic acid.
Molecular consequence: missense variant.
Genome position (GRCh38, 1-based): chr18:31,070,770, T>C on the plus strand (A>G on the coding strand, the complement: DSC2 is on the minus strand). VCF-style: chr18-31070770-T-C. GRCh37 (hg19) VCF-style: chr18-28650736-T-C.
Other names: c.2206A>G, p.Asn736Asp (NM_004949.5); short protein forms N736D.
Identifiers: ClinVar variation 574320 (VCV000574320.18), dbSNP rs371950232, ClinGen allele CA035374.